The following is an entry in ClinVar:

ClinVar aggregate classification (germline): Likely benign. Review status: criteria provided, multiple submitters, no conflicts (2 of 4 stars). 3 submissions from 3 submitters: Likely benign (2). 1 of the submissions does not count toward it. Last evaluated 2024-09-20.

Conditions:
Cardiovascular phenotype. Identifiers: MedGen CN230736.
CACNB2-related disorder. Also called: CACNB2-related condition.
Brugada syndrome 4 (BRGDA4). Identifiers: Orphanet 130, MedGen C2678477, MONDO:0012743, OMIM 611876.

Submissions (3):

Ambry Genetics
Classification: Likely benign for Cardiovascular phenotype. Last evaluated: 2024-09-20. Review status: criteria provided, single submitter. Criteria: Ambry Variant Classification Scheme 2023. Collection method: clinical testing. Allele origin: germline.

Labcorp Genetics (formerly Invitae), Labcorp
Classification: Likely benign for Brugada syndrome 4. Last evaluated: 2023-02-22. Review status: criteria provided, single submitter. Criteria: Invitae Variant Classification Sherloc (09022015). Collection method: clinical testing. Allele origin: germline.

PreventionGenetics, part of Exact Sciences
Classification: Likely benign for CACNB2-related condition. Last evaluated: 2021-01-28. Review status: no assertion criteria provided. Collection method: clinical testing. Allele origin: germline. Not counted in ClinVar's aggregate classification.
Comment: This variant is classified as likely benign based on ACMG/AMP sequence variant interpretation guidelines (Richards et al. 2015 PMID: 25741868, with internal and published modifications).

NM_201596.3(CACNB2):c.594-4C>T

Gene: CACNB2 (calcium voltage-gated channel auxiliary subunit beta 2; plus strand). Cytogenetic location: 10p12.31.
Variant type: single nucleotide variant.
Coding change: c.594-4C>T on transcript NM_201596.3 (MANE Select); 4 bases into the intron before coding-DNA position 594, C replaced by T.
Molecular consequence: intron variant.
Genome position (GRCh38, 1-based): chr10:18,506,467, C>T. VCF-style: chr10-18506467-C-T. GRCh37 (hg19) VCF-style: chr10-18795396-C-T.
Other names: c.510-4C>T (NM_201571.4, NM_001167945.2, NM_201572.4); c.594-4C>T (NM_201593.3, NM_201597.3); c.429-4C>T (NM_000724.4, NM_001330060.2); c.432-4C>T (NM_201590.3); c.450-4C>T (NM_201570.3).
Identifiers: ClinVar variation 772541 (VCV000772541.13), dbSNP rs931745771, ClinGen allele CA203222125.